The following is an entry in ClinVar:

ClinVar aggregate classification (germline): Likely benign (1 of 4 stars; one submission).

gnomAD v4.1: 11 of 1,550,558 alleles (0.00071%); highest among the groups gnomAD compares: African/African-American, 0.0041%; no homozygotes.

Submission:

Women's Health and Genetics/Laboratory Corporation of America, LabCorp
Classification: Likely benign. Last evaluated: 2026-06-24. Review status: criteria provided, single submitter. Criteria: LabCorp Variant Classification Summary - May 2015. Collection method: clinical testing. Allele origin: germline.
Comment: Variant summary: ATP2B2 c.3420+1994C>T is located at a position not widely known to affect splicing. Consensus agreement among computation tools predict no significant impact on normal splicing. However, these predictions have yet to be confirmed by functional studies. The variant allele was found at a frequency of 1.3e-05 in 149274 control chromosomes. The available data on variant occurrences in the general population are insufficient to allow any conclusion about variant significance. To our knowledge, no occurrence of c.3420+1994C>T in individuals affected with ATP2B2-related conditions and no experimental evidence demonstrating its impact on protein function have been reported. No submitters have cited clinical-significance assessments for this variant to ClinVar. Based on the evidence outlined above, the variant was classified as likely benign.

NM_001001331.4(ATP2B2):c.3420+1994C>T

Gene: ATP2B2 (ATPase plasma membrane Ca2+ transporting 2; minus strand). Cytogenetic location: 3p25.3.
Variant type: single nucleotide variant.
Coding change: c.3420+1994C>T on transcript NM_001001331.4 (MANE Select); 1994 bases into the intron after coding-DNA position 3420, C replaced by T.
Molecular consequence: intron variant. On other transcripts: missense variant (2).
Genome position (GRCh38, 1-based): chr3:10,336,182, G>A on the plus strand (C>T on the coding strand, the complement: ATP2B2 is on the minus strand). VCF-style: chr3-10336182-G-A. GRCh37 (hg19) VCF-style: chr3-10377866-G-A.
Other names: c.3404C>T, p.Ser1135Leu (NM_001330611.3, NM_001363862.1); c.3285+1994C>T (NM_001438036.1, NM_001353564.1, NM_001683.5); c.3327+1994C>T (NM_001438646.1); short protein forms S1135L.
Identifiers: ClinVar variation 4887723 (VCV004887723.1).
Genomic context (GRCh38, chr3:10,336,182, plus strand): 5'-CACTCACGCCCGGCTGCAGCAGGAGGAAGGCTGGTCGGAGAGGAAAGAGCATTGGACAAC[G>A]ACACGCGACTAGGGCTAGAGAGATTGGCTACATCCTGGCTCTGGCTGGTGACCGAGGACT-3'